The following is an entry in ClinVar:

NM_173354.5(SIK1):c.326G>T (p.Gly109Val)

Gene: SIK1 (salt inducible kinase 1; minus strand). Cytogenetic location: 21q22.3.
Variant type: single nucleotide variant.
Coding change: c.326G>T on transcript NM_173354.5 (MANE Select); coding-DNA position 326, G replaced by T.
Protein change: p.Gly109Val; replaces glycine 109 with valine.
Molecular consequence: missense variant.
Genome position (GRCh38, 1-based): chr21:43,421,985, C>A on the plus strand (G>T on the coding strand, the complement: SIK1 is on the minus strand). VCF-style: chr21-43421985-C-A. GRCh37 (hg19) VCF-style: chr21-44841865-C-A.
Other names: short protein forms G109V.
Identifiers: ClinVar variation 1716933 (VCV001716933.6), dbSNP rs1477314075, ClinGen allele CA410610477.

ClinVar aggregate classification (germline): Uncertain significance (1 of 4 stars; one submission).

Conditions:
Developmental and epileptic encephalopathy, 30 (DEE30). Also called: Epileptic encephalopathy, early infantile, 30. Identifiers: MedGen C4225360, MONDO:0014595, OMIM 616341.

Submission:

Labcorp Genetics (formerly Invitae), Labcorp
Classification: Uncertain significance for Developmental and epileptic encephalopathy, 30. Last evaluated: 2022-08-19. Review status: criteria provided, single submitter. Criteria: Invitae Variant Classification Sherloc (09022015). Collection method: clinical testing. Allele origin: germline.
Comment: In summary, the available evidence is currently insufficient to determine the role of this variant in disease. Therefore, it has been classified as a Variant of Uncertain Significance. Algorithms developed to predict the effect of missense changes on protein structure and function (SIFT, PolyPhen-2, Align-GVGD) all suggest that this variant is likely to be disruptive. This variant has not been reported in the literature in individuals affected with SIK1-related conditions. This variant is present in population databases (no rsID available, gnomAD 0.0009%). This sequence change replaces glycine, which is neutral and non-polar, with valine, which is neutral and non-polar, at codon 109 of the SIK1 protein (p.Gly109Val).